The following is an entry in ClinVar:

NM_018344.6(SLC29A3):c.517_519del (p.Val173del)

Gene: SLC29A3 (solute carrier family 29 member 3; plus strand). Cytogenetic location: 10q22.1.
Variant type: Deletion.
Coding change: c.517_519del on transcript NM_018344.6 (MANE Select); coding-DNA positions 517 to 519, 3 bases deleted (GTG; older notation c.517_519delGTG).
Protein change: p.Val173del; deletes valine 173.
Molecular consequence: inframe deletion. On other transcripts: non-coding transcript variant (1).
Genome position (GRCh38, 1-based): chr10:71,351,695-71,351,697, GTG deleted; deleting any 3 consecutive bases within chr10:71,351,693-71,351,697 gives the same sequence; the c. name uses the placement nearest the transcript's 3' end. VCF-style (leftmost placement, unchanged base first): chr10-71351692-ATGG-A. GRCh37 (hg19) VCF-style: chr10-73111449-ATGG-A.
Other names: c.517_519del, p.Val173del (NM_001174098.2); c.283_285del, p.Val95del (NM_001363518.2); short protein forms V95del, V173del.
Identifiers: ClinVar variation 3011427 (VCV003011427.2), dbSNP rs781613293, ClinGen allele CA5542951.

ClinVar aggregate classification (germline): Uncertain significance. Review status: criteria provided, multiple submitters, no conflicts (2 of 4 stars). 2 submissions from 2 submitters: Uncertain significance (2). Last evaluated 2023-11-28.

Conditions:
H syndrome. Also called: HISTIOCYTOSIS AND LYMPHADENOPATHY WITH OR WITHOUT CUTANEOUS, CARDIAC, AND/OR ENDOCRINE FEATURES, JOINT CONTRACTURES, AND/OR DEAFNESS; HYPERPIGMENTATION, CUTANEOUS, WITH HYPERTRICHOSIS, HEPATOSPLENOMEGALY, HEART ANOMALIES, AND HYPOGONADISM WITH OR WITHOUT HEARING LOSS; PIGMENTED HYPERTRICHOSIS WITH INSULIN-DEPENDENT DIABETES MELLITUS; ROSAI-DORFMAN DISEASE, FAMILIAL; SINUS HISTIOCYTOSIS AND MASSIVE LYMPHADENOPATHY; Hyperpigmentation, Cutaneous, with Hypertrichosis, Hepatosplenomegaly, Heart Anomalies, Hearing Loss, and Hypogonadism. Identifiers: Orphanet 168569, MedGen C1864445, MONDO:0011273, OMIM 602782.

Submissions (2):

Labcorp Genetics (formerly Invitae), Labcorp
Classification: Uncertain significance for H syndrome. Last evaluated: 2023-11-28. Review status: criteria provided, single submitter. Criteria: Invitae Variant Classification Sherloc (09022015). Collection method: clinical testing. Allele origin: germline.
Comment: This variant, c.517_519del, results in the deletion of 1 amino acid(s) of the SLC29A3 protein (p.Val173del), but otherwise preserves the integrity of the reading frame. This variant is present in population databases (rs781613293, gnomAD no frequency). This variant has not been reported in the literature in individuals affected with SLC29A3-related conditions. Experimental studies and prediction algorithms are not available or were not evaluated, and the functional significance of this variant is currently unknown. In summary, the available evidence is currently insufficient to determine the role of this variant in disease. Therefore, it has been classified as a Variant of Uncertain Significance.

Blueprint Genetics
Classification: Uncertain significance. Last evaluated: 2020-02-14. Review status: criteria provided, single submitter. Criteria: ACMG Guidelines, 2015. Collection method: clinical testing. Allele origin: germline.